The following is an entry in ClinVar:

ClinVar aggregate classification (germline): Benign (0 of 4 stars; one submission).

Conditions:
ARFGEF3-related disorder. Also called: ARFGEF3-related condition.

Allele frequency attached by ClinVar (database versions not stated): ESP Exome Variant Server 0.09526; gnomAD 0.11062; gnomAD exomes 0.11075; TOPMed 0.11163; ExAC 0.11253; 1000 Genomes Project 0.12979; 1000 Genomes Project 30x 0.13070.
gnomAD v4.1: 179,363 of 1,613,396 alleles (11%); highest among the groups gnomAD compares: Middle Eastern, 16%; 10,736 homozygotes.

Submission:

PreventionGenetics, part of Exact Sciences
Classification: Benign for ARFGEF3-related condition. Last evaluated: 2019-11-20. Review status: no assertion criteria provided. Collection method: clinical testing. Allele origin: germline.
Comment: This variant is classified as benign based on ACMG/AMP sequence variant interpretation guidelines (Richards et al. 2015 PMID: 25741868, with internal and published modifications).

NM_020340.5(ARFGEF3):c.3387G>A (p.Thr1129=)

Gene: ARFGEF3 (ARFGEF family member 3; plus strand). Cytogenetic location: 6q23.3.
Variant type: single nucleotide variant.
Coding change: c.3387G>A on transcript NM_020340.5 (MANE Select); coding-DNA position 3387, G replaced by A.
Protein change: p.Thr1129=; no amino-acid change (threonine 1129 retained).
Molecular consequence: synonymous variant.
Genome position (GRCh38, 1-based): chr6:138,294,011, G>A. VCF-style: chr6-138294011-G-A. GRCh37 (hg19) VCF-style: chr6-138615148-G-A.
Identifiers: ClinVar variation 3060737 (VCV003060737.2), dbSNP rs203145, ClinGen allele CA4021086.